The following is an entry in ClinVar:

NM_001876.4(CPT1A):c.400G>A (p.Gly134Arg)

Gene: CPT1A (carnitine palmitoyltransferase 1A; minus strand). Cytogenetic location: 11q13.3.
Variant type: single nucleotide variant.
Coding change: c.400G>A on transcript NM_001876.4 (MANE Select); coding-DNA position 400, G replaced by A.
Protein change: p.Gly134Arg; replaces glycine 134 with arginine.
Molecular consequence: missense variant.
Genome position (GRCh38, 1-based): chr11:68,807,520, C>T on the plus strand (G>A on the coding strand, the complement: CPT1A is on the minus strand). VCF-style: chr11-68807520-C-T. GRCh37 (hg19) VCF-style: chr11-68574988-C-T.
Other names: c.400G>A, p.Gly134Arg (NM_001031847.3); short protein forms G134R.
Identifiers: ClinVar variation 2144150 (VCV002144150.1), dbSNP rs200242711, ClinGen allele CA6152692.

ClinVar aggregate classification (germline): Uncertain significance (1 of 4 stars; one submission).

Conditions:
Carnitine palmitoyl transferase 1A deficiency. Also called: Carnitine palmitoyltransferase 1A deficiency; CPT I DEFICIENCY; CPT DEFICIENCY, HEPATIC, TYPE I; CPT deficiency, hepatic, type IA; Carnitine palmitoyltransferase type I deficiency. Identifiers: Orphanet 156, MedGen C1829703, MONDO:0009705, OMIM 255120.

Allele frequency attached by ClinVar (database versions not stated): TOPMed 0.00001.
gnomAD v4.1: 14 of 1,614,044 alleles (0.00087%); highest among the groups gnomAD compares: Admixed American, 0.0017%; no homozygotes.

Submission:

Labcorp Genetics (formerly Invitae), Labcorp
Classification: Uncertain significance for Carnitine palmitoyl transferase 1A deficiency. Last evaluated: 2021-08-24. Review status: criteria provided, single submitter. Criteria: Invitae Variant Classification Sherloc (09022015). Collection method: clinical testing. Allele origin: germline.
Comment: This sequence change replaces glycine with arginine at codon 134 of the CPT1A protein (p.Gly134Arg). The glycine residue is highly conserved and there is a moderate physicochemical difference between glycine and arginine. This variant is present in population databases (rs200242711, ExAC 0.03%). This variant has not been reported in the literature in individuals affected with CPT1A-related conditions. Algorithms developed to predict the effect of missense changes on protein structure and function are either unavailable or do not agree on the potential impact of this missense change (SIFT: "Deleterious"; PolyPhen-2: "Benign"; Align-GVGD: "Class C0"). Algorithms developed to predict the effect of sequence changes on RNA splicing suggest that this variant may create or strengthen a splice site. In summary, the available evidence is currently insufficient to determine the role of this variant in disease. Therefore, it has been classified as a Variant of Uncertain Significance.